The following is an entry in ClinVar:

ClinVar aggregate classification (germline): Pathogenic/Likely pathogenic. Review status: criteria provided, multiple submitters, no conflicts (2 of 4 stars). 2 submissions from 2 submitters: Pathogenic (1); Likely pathogenic (1). Last evaluated 2024-06-07.

Conditions:
Mucopolysaccharidosis, MPS-II (MPS2). Also called: Mucopolysaccharidosis type 2; Hunter Syndrome; IDURONATE 2-SULFATASE DEFICIENCY; Mucopolysaccharidosis Type II; IDS deficiency; Sulfoiduronate sulfatase deficiency. Identifiers: Orphanet 580, Orphanet 79388, MedGen C0026705, MONDO:0010674, OMIM 309900.

Submissions (2):

Laboratory of Diagnosis and Therapy of Lysosomal Disorders, University of Padova
Classification: Likely pathogenic for Mucopolysaccharidosis, MPS-II. Last evaluated: 2024-06-07. Review status: criteria provided, single submitter. Criteria: ACMG Guidelines, 2015. Collection method: literature only. Allele origin: germline. Affected: yes. Observed: 2 variant alleles.
Comment: Located in a mutational hot spot and/or critical functional domain (PM1_Moderate), Absent from controls (or at low frequency) in gnomAD database (PM2_Moderate), Missense change at the same amino acid residue as a pathogenic variant (PM5_Moderate), Missense variant in a gene with a low rate of benign missense variation (PP2_Supporting), Multiple lines of computational evidence support a deleterious effect (PP3_Supporting), Patient’s phenotype or family history highly specific for the disease (PP4_Moderate)

Classification method: ACMG Guidelines [PMID:25741868] with modifications

Department of Medical Genetics, Sanjay Gandhi Post Graduate Institute of Medical Sciences
Classification: Pathogenic for Mucopolysaccharidosis, MPS-II. Review status: criteria provided, single submitter. Criteria: ACMG Guidelines, 2015. Collection method: clinical testing. Allele origin: germline. Inheritance: X-linked recessive inheritance. Affected: yes. Observed: 1 variant allele, 1 hemizygote.

Literature cited by the submitters: PubMed 35144014 (cited by Laboratory of Diagnosis and Therapy of Lysosomal Disorders, University of Padova); PubMed 22976768 (cited by Laboratory of Diagnosis and Therapy of Lysosomal Disorders, University of Padova and Department of Medical Genetics, Sanjay Gandhi Post Graduate Institute of Medical Sciences).

NM_000202.8(IDS):c.252C>G (p.Cys84Trp)

Gene: IDS (iduronate 2-sulfatase; minus strand). Cytogenetic location: Xq28.
Variant type: single nucleotide variant.
Coding change: c.252C>G on transcript NM_000202.8 (MANE Select); coding-DNA position 252, C replaced by G.
Protein change: p.Cys84Trp; replaces cysteine 84 with tryptophan.
Molecular consequence: missense variant. On other transcripts: non-coding transcript variant (1), intron variant (1).
Genome position (GRCh38, 1-based): chrX:149,503,478, G>C on the plus strand (C>G on the coding strand, the complement: IDS is on the minus strand). VCF-style: chrX-149503478-G-C. GRCh37 (hg19) VCF-style: chrX-148585008-G-C.
Other names: c.252C>G, p.Cys84Trp (NM_006123.5); c.15-33C>G (NM_001166550.4); short protein forms C84W.
Identifiers: ClinVar variation 996920 (VCV000996920.3), dbSNP rs1557340286, ClinGen allele CA414526933.